The following is an entry in ClinVar:

ClinVar aggregate classification (germline): Uncertain significance (1 of 4 stars; one submission).

Conditions:
Charcot-Marie-Tooth disease type 2. Also called: Charcot-Marie-Tooth type 2. Identifiers: Orphanet 64746, MedGen C0270914, MONDO:0018993.

Allele frequency attached by ClinVar (database versions not stated): ExAC 0.00001; ESP Exome Variant Server 0.00008; TOPMed 0.00002; gnomAD 0.00004.

Submission:

Labcorp Genetics (formerly Invitae), Labcorp
Classification: Uncertain significance for Charcot-Marie-Tooth disease type 2. Last evaluated: 2023-10-18. Review status: criteria provided, single submitter. Criteria: Invitae Variant Classification Sherloc (09022015). Collection method: clinical testing. Allele origin: germline.
Comment: This sequence change falls in intron 13 of the AARS gene. It does not directly change the encoded amino acid sequence of the AARS protein. It affects a nucleotide within the consensus splice site. This variant is present in population databases (rs369849641, gnomAD 0.02%). This variant has not been reported in the literature in individuals affected with AARS-related conditions. Variants that disrupt the consensus splice site are a relatively common cause of aberrant splicing (PMID: 17576681, 9536098). Algorithms developed to predict the effect of sequence changes on RNA splicing suggest that this variant may disrupt the consensus splice site. In summary, the available evidence is currently insufficient to determine the role of this variant in disease. Therefore, it has been classified as a Variant of Uncertain Significance.

Literature cited by the submitters: PubMed 17576681; PubMed 9536098.

NM_001605.3(AARS1):c.1785+5G>T

Gene: AARS1 (alanyl-tRNA synthetase 1; minus strand). Cytogenetic location: 16q22.1.
Variant type: single nucleotide variant.
Coding change: c.1785+5G>T on transcript NM_001605.3 (MANE Select); 5 bases into the intron after coding-DNA position 1785, G replaced by T.
Molecular consequence: intron variant.
Genome position (GRCh38, 1-based): chr16:70,261,039, C>A on the plus strand (G>T on the coding strand, the complement: AARS1 is on the minus strand). VCF-style: chr16-70261039-C-A. GRCh37 (hg19) VCF-style: chr16-70294942-C-A.
Identifiers: ClinVar variation 3016776 (VCV003016776.3), dbSNP rs369849641, ClinGen allele CA8140691.